The following is an entry in ClinVar:

ClinVar aggregate classification (germline): other (0 of 4 stars; one submission).

Conditions:
Familial colorectal cancer. Identifiers: MedGen CN280943, MONDO:0023113. Disease mechanism: loss of function.

Allele frequency attached by ClinVar (database versions not stated): TOPMed below 0.00001.

Submission:

Systems Biology Platform Zhejiang California International NanoSystems Institute
Classification: other for Familial colorectal cancer. Review status: no assertion criteria provided. Collection method: not provided. Allele origin: unknown.
ClinVar note: Converted during submission from cancer to other.

NM_000038.6(APC):c.834+5752G>A

Gene: APC (APC regulator of WNT signaling pathway; plus strand). Cytogenetic location: 5q22.2.
Variant type: single nucleotide variant.
Coding change: c.834+5752G>A on transcript NM_000038.6 (MANE Select); 5752 bases into the intron after coding-DNA position 834, G replaced by A.
Molecular consequence: intron variant.
Genome position (GRCh38, 1-based): chr5:112,807,135, G>A. VCF-style: chr5-112807135-G-A. GRCh37 (hg19) VCF-style: chr5-112142832-G-A.
Other names: c.834+5752G>A (NM_001354895.2, NM_001127510.3, NM_001354896.2 and 1 more transcripts); c.864+5752G>A (NM_001354897.2, NM_001354902.2); c.780+5752G>A (NM_001127511.3); c.759+5752G>A (NM_001354898.2, NM_001354904.2); c.-201-2991G>A (NM_001354906.2); c.750+5752G>A (NM_001354899.2); c.657+5752G>A (NM_001354900.2, NM_001354901.2, NM_001354905.2).
Identifiers: ClinVar variation 82528 (VCV000082528.2), dbSNP rs74947623, ClinGen allele CA014921.